The following is an entry in ClinVar:

ClinVar aggregate classification (germline): Uncertain significance (1 of 4 stars; one submission).

Conditions:
Lowe syndrome (OCRL). Also called: LOWE OCULOCEREBRORENAL SYNDROME; PHOSPHATIDYLINOSITOL 4,5-BISPHOSPHATE 5-PHOSPHATASE DEFICIENCY; Oculocerebrorenal Syndrome. Identifiers: Orphanet 534, MedGen C0028860, MONDO:0010645, OMIM 309000.

Submissions (3):

Labcorp Genetics (formerly Invitae), Labcorp
Classification: Uncertain significance for Lowe syndrome. Last evaluated: 2022-04-11. Review status: criteria provided, single submitter. Criteria: Invitae Variant Classification Sherloc (09022015). Collection method: clinical testing. Allele origin: germline.
Comment: This variant has not been reported in the literature in individuals affected with OCRL-related conditions. This variant is not present in population databases (gnomAD no frequency). This sequence change replaces alanine, which is neutral and non-polar, with serine, which is neutral and polar, at codon 861 of the OCRL protein (p.Ala861Ser). This variant also falls at the last nucleotide of exon 23, which is part of the consensus splice site for this exon. In summary, the available evidence is currently insufficient to determine the role of this variant in disease. Therefore, it has been classified as a Variant of Uncertain Significance. Variants that disrupt the consensus splice site are a relatively common cause of aberrant splicing (PMID: 17576681, 9536098). Algorithms developed to predict the effect of sequence changes on RNA splicing suggest that this variant may disrupt the consensus splice site. Algorithms developed to predict the effect of missense changes on protein structure and function are either unavailable or do not agree on the potential impact of this missense change (SIFT: "Tolerated"; PolyPhen-2: "Probably Damaging"; Align-GVGD: "Class C0").

Dr. Peter K. Rogan Lab, Western University
No classification provided (evidence only). Condition: Thyroid cancer, nonmedullary, 1. Review status: no classification provided. Collection method: in vitro. Allele origin: not applicable. Functional consequence: retained intron. Not counted in ClinVar's aggregate classification.

Dr. Peter K. Rogan Lab, Western University
No classification provided (evidence only). Condition: Thyroid cancer, nonmedullary, 1. Review status: no classification provided. Collection method: in vitro. Allele origin: not applicable. Functional consequence: retained intron. Not counted in ClinVar's aggregate classification.

Literature cited by the submitters: PubMed 17576681 (cited by Labcorp Genetics (formerly Invitae), Labcorp); PubMed 9536098 (cited by Labcorp Genetics (formerly Invitae), Labcorp).

NM_000276.4(OCRL):c.2581G>T (p.Ala861Ser)

Gene: OCRL (OCRL inositol polyphosphate-5-phosphatase; plus strand). Cytogenetic location: Xq26.1.
Variant type: single nucleotide variant.
Coding change: c.2581G>T on transcript NM_000276.4 (MANE Select); coding-DNA position 2581, G replaced by T.
Protein change: p.Ala861Ser; replaces alanine 861 with serine.
Molecular consequence: missense variant.
Genome position (GRCh38, 1-based): chrX:129,589,956, G>T. VCF-style: chrX-129589956-G-T. GRCh37 (hg19) VCF-style: chrX-128723933-G-T.
Other names: c.2584G>T, p.Ala862Ser (NM_001318784.2); c.2557G>T, p.Ala853Ser (NM_001587.4); short protein forms A861S, A853S, A862S.
Identifiers: ClinVar variation 2051251 (VCV002051251.5), dbSNP rs2124430527, ClinGen allele CA414632662.